The following is an entry in ClinVar:

ClinVar aggregate classification (germline): Likely benign (0 of 4 stars; one submission).

Conditions:
SV2C-related disorder. Also called: SV2C-related condition.

Allele frequency attached by ClinVar (database versions not stated): TOPMed 0.00014; ESP Exome Variant Server 0.00015; gnomAD 0.00018; gnomAD exomes 0.00026; 1000 Genomes Project 30x 0.00047; 1000 Genomes Project 0.00060; ExAC 0.00086.
gnomAD v4.1: 417 of 1,614,134 alleles (0.026%); highest among the groups gnomAD compares: South Asian, 0.28%; 1 homozygote.

Submission:

PreventionGenetics, part of Exact Sciences
Classification: Likely benign for SV2C-related condition. Last evaluated: 2019-04-08. Review status: no assertion criteria provided. Collection method: clinical testing. Allele origin: germline.
Comment: This variant is classified as likely benign based on ACMG/AMP sequence variant interpretation guidelines (Richards et al. 2015 PMID: 25741868, with internal and published modifications).

NM_014979.4(SV2C):c.876C>T (p.Tyr292=)

Gene: SV2C (synaptic vesicle glycoprotein 2C; plus strand). Cytogenetic location: 5q13.3.
Variant type: single nucleotide variant.
Coding change: c.876C>T on transcript NM_014979.4 (MANE Select); coding-DNA position 876, C replaced by T.
Protein change: p.Tyr292=; no amino-acid change (tyrosine 292 retained).
Molecular consequence: synonymous variant.
Genome position (GRCh38, 1-based): chr5:76,209,850, C>T. VCF-style: chr5-76209850-C-T. GRCh37 (hg19) VCF-style: chr5-75505675-C-T.
Other names: c.876C>T, p.Tyr292= (NM_001297716.2).
Identifiers: ClinVar variation 3048043 (VCV003048043.2), dbSNP rs368119717, ClinGen allele CA3311083.